The following is an entry in ClinVar:

NM_001110556.2(FLNA):c.7333+1G>A

Gene: FLNA (filamin A; minus strand). Cytogenetic location: Xq28.
Variant type: single nucleotide variant.
Coding change: c.7333+1G>A on transcript NM_001110556.2 (MANE Select); the canonical splice donor site of the intron after coding-DNA position 7333, G replaced by A.
Molecular consequence: splice donor variant.
Genome position (GRCh38, 1-based): chrX:154,350,030, C>T on the plus strand (G>A on the coding strand, the complement: FLNA is on the minus strand). VCF-style: chrX-154350030-C-T. GRCh37 (hg19) VCF-style: chrX-153578398-C-T.
Other names: c.7309+1G>A (NM_001456.4).
Identifiers: ClinVar variation 438607 (VCV000438607.1), dbSNP rs1557175424, ClinGen allele CA415183225.

ClinVar aggregate classification (germline): Likely pathogenic (1 of 4 stars; one submission).

Conditions:
Heterotopia, periventricular, X-linked dominant (PVNH1). Also called: PERIVENTRICULAR NODULAR HETEROTOPIA 1; X-linked periventricular heterotopia; PERIVENTRICULAR NODULAR HETEROTOPIA 4; HETEROTOPIA, PERIVENTRICULAR, 1. Identifiers: Orphanet 2149, Orphanet 82004, MedGen C1848213, MONDO:0010233, OMIM 300049.

Submission:

Lupski Lab, Baylor-Hopkins CMG, Baylor College of Medicine
Classification: Likely pathogenic for Heterotopia, periventricular, X-linked dominant. Last evaluated: 2017-09-01. Review status: criteria provided, single submitter. Criteria: Wiszniewski et al. (Eur J Hum Genet. 2018). Collection method: research. Allele origin: inherited, unknown. Inheritance: X-linked inheritance. Affected: yes. Observed: 2 variant alleles.